The following is an entry in ClinVar:

ClinVar aggregate classification (germline): Uncertain significance (1 of 4 stars; one submission).

Conditions:
CLCN3-related neurodevelopmental disorders.

Submission:

Illumina Laboratory Services, Illumina
Classification: Uncertain significance for CLCN3-related neurodevelopmental disorders. Last evaluated: 2022-02-16. Review status: criteria provided, single submitter. Criteria: ICSLVariantClassificationCriteria RUGD 01 April 2020. Collection method: clinical testing. Allele origin: unknown.
Comment: The CLCN3 c.635T>A (p.Ile212Lys) missense variant results in the substitution of isoleucine at amino acid position 212 with lysine. To our knowledge, this variant has not been reported in the peer-reviewed literature. This variant is not found in version 2.1.1 or version 3.1.2 of the Genome Aggregation Database. The c.635T>A variant lies within the CIC domain, which is where the majority of reported variants lie (Duncan et al. 2021). Multiple lines of computational evidence suggest the variant may have a deleterious effect on the gene or gene product. Based on the available evidence, the c.635T>A (p.Ile212Lys) variant is classified as a variant of uncertain significance for CLCN3-related neurodevelopmental disorders.

Literature cited by the submitters: PubMed 34186028.

NM_001829.4(CLCN3):c.635T>A (p.Ile212Lys)

Gene: CLCN3 (chloride voltage-gated channel 3; plus strand). Cytogenetic location: 4q33.
Variant type: single nucleotide variant.
Coding change: c.635T>A on transcript NM_001829.4 (MANE Select); coding-DNA position 635, T replaced by A.
Protein change: p.Ile212Lys; replaces isoleucine 212 with lysine.
Molecular consequence: missense variant.
Genome position (GRCh38, 1-based): chr4:169,690,558, T>A. VCF-style: chr4-169690558-T-A. GRCh37 (hg19) VCF-style: chr4-170611709-T-A.
Other names: c.635T>A, p.Ile212Lys (NM_001243372.2, NM_173872.4); c.554T>A, p.Ile185Lys (NM_001243374.2); short protein forms I185K, I212K.
Identifiers: ClinVar variation 1693300 (VCV001693300.3), dbSNP rs2150249147, ClinGen allele CA358737268.